The following is an entry in ClinVar:

NM_024408.4(NOTCH2):c.434C>T (p.Thr145Met)

Gene: NOTCH2 (notch receptor 2; minus strand). Cytogenetic location: 1p12.
Variant type: single nucleotide variant.
Coding change: c.434C>T on transcript NM_024408.4 (MANE Select); coding-DNA position 434, C replaced by T.
Protein change: p.Thr145Met; replaces threonine 145 with methionine.
Molecular consequence: missense variant.
Genome position (GRCh38, 1-based): chr1:119,997,314, G>A on the plus strand (C>T on the coding strand, the complement: NOTCH2 is on the minus strand). VCF-style: chr1-119997314-G-A. GRCh37 (hg19) VCF-style: chr1-120539937-G-A.
Other names: c.434C>T, p.Thr145Met (NM_001200001.2); short protein forms T145M.
Identifiers: ClinVar variation 2639054 (VCV002639054.24), dbSNP rs150730704, ClinGen allele CA1040844.

ClinVar aggregate classification (germline): Likely benign (1 of 4 stars; one submission).

Allele frequency attached by ClinVar (database versions not stated): ExAC 0.00008; gnomAD 0.00008; gnomAD exomes 0.00005; TOPMed 0.00011; 1000 Genomes Project 30x 0.00016; 1000 Genomes Project 0.00020; ESP Exome Variant Server 0.00023.
gnomAD v4.1: 85 of 1,613,990 alleles (0.0053%); highest among the groups gnomAD compares: Admixed American, 0.025%; 1 homozygote.

Submission:

CeGaT Center for Human Genetics Tuebingen
Classification: Likely benign. Last evaluated: 2026-08-01. Review status: criteria provided, single submitter. Criteria: CeGaT Center For Human Genetics Tuebingen Variant Classification Criteria Version 2. Collection method: clinical testing. Allele origin: germline. Affected: yes. Observed: 2 variant alleles.
Comment: NOTCH2: BP4, BS2